The following is an entry in ClinVar:

ClinVar aggregate classification (germline): Uncertain significance (1 of 4 stars; one submission).

Submission:

Labcorp Genetics (formerly Invitae), Labcorp
Classification: Uncertain significance. Last evaluated: 2020-03-27. Review status: criteria provided, single submitter. Criteria: Invitae Variant Classification Sherloc (09022015). Collection method: clinical testing. Allele origin: germline.
Comment: This sequence change replaces leucine with histidine at codon 1165 of the TTLL5 protein (p.Leu1165His). The leucine residue is moderately conserved and there is a moderate physicochemical difference between leucine and histidine. In summary, the available evidence is currently insufficient to determine the role of this variant in disease. Therefore, it has been classified as a Variant of Uncertain Significance. Algorithms developed to predict the effect of missense changes on protein structure and function are either unavailable or do not agree on the potential impact of this missense change (SIFT: "Not Available"; PolyPhen-2: "Probably Damaging"; Align-GVGD: "Not Available"). This variant has not been reported in the literature in individuals with TTLL5-related conditions. The frequency data for this variant in the population databases is not available, as this variant may be reported as separate entries in the ExAC database.

NM_015072.5(TTLL5):c.3494_3495delinsAT (p.Leu1165His)

Gene: TTLL5 (tubulin tyrosine ligase like 5; plus strand). Cytogenetic location: 14q24.3.
Variant type: Indel.
Coding change: c.3494_3495delinsAT on transcript NM_015072.5 (MANE Select); coding-DNA positions 3494 to 3495, TC replaced by AT.
Protein change: p.Leu1165His; replaces leucine 1165 with histidine.
Molecular consequence: missense variant.
Genome position (GRCh38, 1-based): chr14:75,863,834-75,863,835, TC replaced by AT. VCF-style: chr14-75863834-TC-AT. GRCh37 (hg19) VCF-style: chr14-76330177-TC-AT.
Other names: short protein forms L1165H.
Identifiers: ClinVar variation 1025437 (VCV001025437.7), dbSNP rs2030236549, ClinGen allele CA2147676831.
Genomic context (GRCh38, chr14:75,863,834, plus strand): 5'-GCTATCAGCTTCAATTTGCCCTGCAGCAACTTGAACAACAAAAACTTCAGTCCCGGCAGC[TC>AT]CTGGACCAGAGTCGAGCCCGGCACCAGGTAATTCAAGATAAGTCTTTTCCATGTGTTATA-3'
Protein context (NP_055887.3, residues 1155-1175): LEQQKLQSRQ[Leu1165His]LDQSRARHQA